The following is an entry in ClinVar:

ClinVar aggregate classification (germline): Uncertain significance (1 of 4 stars; one submission).

Submission:

Labcorp Genetics (formerly Invitae), Labcorp
Classification: Uncertain significance. Last evaluated: 2023-02-14. Review status: criteria provided, single submitter. Criteria: Invitae Variant Classification Sherloc (09022015). Collection method: clinical testing. Allele origin: germline.
Comment: Algorithms developed to predict the effect of sequence changes on RNA splicing suggest that this variant may create or strengthen a splice site. In summary, the available evidence is currently insufficient to determine the role of this variant in disease. Therefore, it has been classified as a Variant of Uncertain Significance. Algorithms developed to predict the effect of missense changes on protein structure and function are either unavailable or do not agree on the potential impact of this missense change (SIFT: "Deleterious"; PolyPhen-2: "Probably Damaging"; Align-GVGD: "Class C0"). This variant has not been reported in the literature in individuals affected with HMCN1-related conditions. This variant is not present in population databases (gnomAD no frequency). This sequence change replaces glycine, which is neutral and non-polar, with valine, which is neutral and non-polar, at codon 1946 of the HMCN1 protein (p.Gly1946Val).

NM_031935.3(HMCN1):c.5837G>T (p.Gly1946Val)

Gene: HMCN1 (hemicentin 1; plus strand). Cytogenetic location: 1q31.1.
Variant type: single nucleotide variant.
Coding change: c.5837G>T on transcript NM_031935.3 (MANE Select); coding-DNA position 5837, G replaced by T.
Protein change: p.Gly1946Val; replaces glycine 1946 with valine.
Molecular consequence: missense variant.
Genome position (GRCh38, 1-based): chr1:186,038,021, G>T. VCF-style: chr1-186038021-G-T. GRCh37 (hg19) VCF-style: chr1-186007153-G-T.
Other names: short protein forms G1946V.
Identifiers: ClinVar variation 2836844 (VCV002836844.3), dbSNP rs2527630497, ClinGen allele CA343898143.